The following is an entry in ClinVar:

NM_007294.4(BRCA1):c.134+2990G>A

Gene: BRCA1 (BRCA1 DNA repair associated; minus strand). Cytogenetic location: 17q21.31.
Variant type: single nucleotide variant.
Coding change: c.134+2990G>A on transcript NM_007294.4 (MANE Select); 2990 bases into the intron after coding-DNA position 134, G replaced by A.
Molecular consequence: intron variant.
Genome position (GRCh38, 1-based): chr17:43,112,736, C>T on the plus strand (G>A on the coding strand, the complement: BRCA1 is on the minus strand). VCF-style: chr17-43112736-C-T. GRCh37 (hg19) VCF-style: chr17-41264753-C-T.
Other names: c.134+2990G>A (NM_001408409.1, NM_001407663.1, NM_001407658.1 and 191 more transcripts); c.-55+2990G>A (NM_001407958.1, NM_001407955.1, NM_001408493.1 and 52 more transcripts); c.-285-2156G>A (NM_001407965.1); c.-123-2156G>A (NM_001407930.1, NM_001407843.1, NM_001408456.1 and 13 more transcripts); c.-127-2152G>A (NM_001408465.1); c.-8+2990G>A (NM_001407920.1, NM_001408504.1, NM_001408463.1 and 47 more transcripts); c.-7-6203G>A (NM_001407751.1, NM_001407931.1, NM_001407747.1 and 30 more transcripts); c.-170-2156G>A (NM_001407900.1, NM_001408492.1); and 9 more.
Identifiers: ClinVar variation 264819 (VCV000264819.2), dbSNP rs375673256, ClinGen allele CA10588250.

ClinVar aggregate classification (germline): Benign (3 of 4 stars; one submission).

Conditions:
Breast-ovarian cancer, familial, susceptibility to, 1 (BROVCA1). Also called: BRCA1 Hereditary Breast and Ovarian Cancer; OVARIAN CANCER, SUSCEPTIBILITY TO. Identifiers: Orphanet 145, MedGen C2676676, MONDO:0011450, OMIM 604370. Disease mechanism: loss of function.

Allele frequency attached by ClinVar (database versions not stated): gnomAD 0.44804 and 0.45050; 1000 Genomes Project 0.49720; 1000 Genomes Project 30x 0.50172; gnomAD exomes 0.57143.
gnomAD v4.1: 68,107 of 151,626 alleles (45%); highest among the groups gnomAD compares: African/African-American, 68%; 16,986 homozygotes.

Submission:

Evidence-based Network for the Interpretation of Germline Mutant Alleles (ENIGMA)
Classification: Benign for Breast-ovarian cancer, familial, susceptibility to, 1. Last evaluated: 2016-09-28. Review status: reviewed by expert panel. Criteria: ENIGMA BRCA1/2 Classification Criteria (2015). Collection method: curation. Allele origin: germline.
Comment: Class 1 not pathogenic based on frequency >1% in an outbred sampleset. Frequency 0.3598 (European), 0.7292 (African), 0.402 (Admixed American/Latino), 0.3671 (East Asian), 0.5266 (South Asian), derived from 1000 genomes (2013-05-02).